The following is an entry in ClinVar:

NM_000384.3(APOB):c.4433A>T (p.His1478Leu)

Gene: APOB (apolipoprotein B; minus strand). Cytogenetic location: 2p24.1.
Variant type: single nucleotide variant.
Coding change: c.4433A>T on transcript NM_000384.3 (MANE Select); coding-DNA position 4433, A replaced by T.
Protein change: p.His1478Leu; replaces histidine 1478 with leucine.
Molecular consequence: missense variant.
Genome position (GRCh38, 1-based): chr2:21,012,435, T>A on the plus strand (A>T on the coding strand, the complement: APOB is on the minus strand). VCF-style: chr2-21012435-T-A. GRCh37 (hg19) VCF-style: chr2-21235307-T-A.
Other names: short protein forms H1478L.
Identifiers: ClinVar variation 5026568 (VCV005026568.1).

ClinVar aggregate classification (germline): Uncertain significance (1 of 4 stars; one submission).

Conditions:
Cardiovascular phenotype. Identifiers: MedGen CN230736.

gnomAD v4.1: 1 of 1,614,178 alleles (0.000062%); highest among the groups gnomAD compares: Non-Finnish European, 0.000085%; no homozygotes.

Submission:

Ambry Genetics
Classification: Uncertain significance for Cardiovascular phenotype. Last evaluated: 2026-07-01. Review status: criteria provided, single submitter. Criteria: Ambry Variant Classification Scheme 2023. Collection method: clinical testing. Allele origin: germline.
Comment: The p.H1478L variant (also known as c.4433A>T), located in coding exon 26 of the APOB gene, results from an A to T substitution at nucleotide position 4433. The histidine at codon 1478 is replaced by leucine, an amino acid with similar properties. This amino acid position is conserved. In addition, this alteration is predicted to be tolerated by in silico analysis. Based on the available evidence, the clinical significance of this variant remains unclear.